The following is an entry in ClinVar:

NM_001365480.1(CCDC88A):c.25C>G (p.Leu9Val)

Gene: CCDC88A (coiled-coil domain containing 88A; minus strand). Cytogenetic location: 2p16.1.
Variant type: single nucleotide variant.
Coding change: c.25C>G on transcript NM_001365480.1 (MANE Select); coding-DNA position 25, C replaced by G.
Protein change: p.Leu9Val; replaces leucine 9 with valine.
Molecular consequence: missense variant.
Genome position (GRCh38, 1-based): chr2:55,419,055, G>C on the plus strand (C>G on the coding strand, the complement: CCDC88A is on the minus strand). VCF-style: chr2-55419055-G-C. GRCh37 (hg19) VCF-style: chr2-55646191-G-C.
Other names: c.25C>G, p.Leu9Val (NM_001135597.2, NM_001254943.2, NM_018084.5); short protein forms L9V.
Identifiers: ClinVar variation 1520871 (VCV001520871.4), dbSNP rs1346096967, ClinGen allele CA346913294.

ClinVar aggregate classification (germline): Uncertain significance (1 of 4 stars; one submission).

Allele frequency attached by ClinVar (database versions not stated): gnomAD exomes below 0.00001; gnomAD 0.00001.
gnomAD v4.1: 4 of 1,612,992 alleles (0.00025%); highest among the groups gnomAD compares: South Asian, 0.0011%; no homozygotes.

Submission:

Labcorp Genetics (formerly Invitae), Labcorp
Classification: Uncertain significance. Last evaluated: 2022-02-20. Review status: criteria provided, single submitter. Criteria: Invitae Variant Classification Sherloc (09022015). Collection method: clinical testing. Allele origin: germline.
Comment: This variant has not been reported in the literature in individuals affected with CCDC88A-related conditions. This variant is present in population databases (no rsID available, gnomAD 0.0009%). This sequence change replaces leucine, which is neutral and non-polar, with valine, which is neutral and non-polar, at codon 9 of the CCDC88A protein (p.Leu9Val). Algorithms developed to predict the effect of missense changes on protein structure and function (SIFT, PolyPhen-2, Align-GVGD) all suggest that this variant is likely to be tolerated. In summary, the available evidence is currently insufficient to determine the role of this variant in disease. Therefore, it has been classified as a Variant of Uncertain Significance.